The following is an entry in ClinVar:

NM_000238.4(KCNH2):c.1886A>T (p.Asn629Ile)

Gene: KCNH2 (potassium voltage-gated channel subfamily H member 2; minus strand). Cytogenetic location: 7q36.1.
Variant type: single nucleotide variant.
Coding change: c.1886A>T on transcript NM_000238.4 (MANE Select); coding-DNA position 1886, A replaced by T.
Protein change: p.Asn629Ile; replaces asparagine 629 with isoleucine.
Molecular consequence: missense variant.
Genome position (GRCh38, 1-based): chr7:150,951,507, T>A on the plus strand (A>T on the coding strand, the complement: KCNH2 is on the minus strand). VCF-style: chr7-150951507-T-A. GRCh37 (hg19) VCF-style: chr7-150648595-T-A.
Other names: c.1886A>T (LRG_288t1); c.866A>T, p.Asn289Ile (NM_172057.3, NM_001204798.2); c.1598A>T, p.Asn533Ile (NM_001406753.1, NM_001406756.1); c.1709A>T, p.Asn570Ile (NM_001406755.1); c.1586A>T, p.Asn529Ile (NM_001406757.1); c.1886A>T, p.Asn629Ile (NM_172056.3); short protein forms N289I, N629I, N529I, N533I, N570I.
Identifiers: ClinVar variation 67316 (VCV000067316.7), dbSNP rs199472957, ClinGen allele CA005858.

ClinVar aggregate classification (germline): Uncertain significance. Review status: criteria provided, single submitter (1 of 4 stars). 2 submissions from 2 submitters: Uncertain significance (1). 1 of the submissions does not count toward it. Last evaluated 2025-07-08.

Conditions:
Familial long QT syndrome (RWS). Also called: Congenital long QT syndrome; Romano-Ward syndrome; VENTRICULAR FIBRILLATION WITH PROLONGED QT INTERVAL. Identifiers: Orphanet 768, MedGen C1141890, MONDO:0019171.
Long QT syndrome (LQTS). Identifiers: MedGen C0023976, MeSH D008133, MONDO:0002442. Disease mechanism: loss of function. Inheritance: Various modes of inheritance.

Submissions (2):

Labcorp Genetics (formerly Invitae), Labcorp
Classification: Uncertain significance for Long QT syndrome. Last evaluated: 2025-07-08. Review status: criteria provided, single submitter. Criteria: Invitae Variant Classification Sherloc (09022015). Collection method: clinical testing. Allele origin: germline.
Comment: This sequence change replaces asparagine, which is neutral and polar, with isoleucine, which is neutral and non-polar, at codon 629 of the KCNH2 protein (p.Asn629Ile). This variant is not present in population databases (gnomAD no frequency). This missense change has been observed in individual(s) with long QT syndrome (PMID: 19716085, 22949429). ClinVar contains an entry for this variant (Variation ID: 67316). An algorithm developed to predict the effect of missense changes on protein structure and function (PolyPhen-2) suggests that this variant is likely to be disruptive. Experimental studies have shown that this missense change affects KCNH2 function (PMID: 25417810, 31557540). This variant disrupts the p.Asn629 amino acid residue in KCNH2. Other variant(s) that disrupt this residue have been determined to be pathogenic (PMID: 9544837, 11854117, 18808722, 26063740). This suggests that this residue is clinically significant, and that variants that disrupt this residue are likely to be disease-causing. In summary, the available evidence is currently insufficient to determine the role of this variant in disease. Therefore, it has been classified as a Variant of Uncertain Significance.

Cardiovascular Biomedical Research Unit, Royal Brompton & Harefield NHS Foundation Trust
No classification provided. Condition: Familial long QT syndrome. Review status: no classification provided. Collection method: literature only. Allele origin: germline. Not counted in ClinVar's aggregate classification.
Comment: This variant has been reported as associated with Long QT syndrome in the following publications (PMID:19716085;PMID:19841300). This is a literature report, and does not necessarily reflect the clinical interpretation of the Imperial College / Royal Brompton Cardiovascular Genetics laboratory.

Literature cited by the submitters: PubMed 19716085 (cited by Labcorp Genetics (formerly Invitae), Labcorp and Cardiovascular Biomedical Research Unit, Royal Brompton & Harefield NHS Foundation Trust); PubMed 22949429 (cited by Labcorp Genetics (formerly Invitae), Labcorp); PubMed 25417810 (cited by Labcorp Genetics (formerly Invitae), Labcorp); PubMed 31557540 (cited by Labcorp Genetics (formerly Invitae), Labcorp); PubMed 9544837 (cited by Labcorp Genetics (formerly Invitae), Labcorp); PubMed 11854117 (cited by Labcorp Genetics (formerly Invitae), Labcorp); PubMed 18808722 (cited by Labcorp Genetics (formerly Invitae), Labcorp); PubMed 26063740 (cited by Labcorp Genetics (formerly Invitae), Labcorp); PubMed 19841300 (cited by Cardiovascular Biomedical Research Unit, Royal Brompton & Harefield NHS Foundation Trust); PubMed 22581653 (cited by Cardiovascular Biomedical Research Unit, Royal Brompton & Harefield NHS Foundation Trust).